The following is an entry in ClinVar:

NM_212482.4(FN1):c.3222G>C (p.Glu1074Asp)

Gene: FN1 (fibronectin 1; minus strand). Cytogenetic location: 2q35.
Variant type: single nucleotide variant.
Coding change: c.3222G>C on transcript NM_212482.4 (MANE Select); coding-DNA position 3222, G replaced by C.
Protein change: p.Glu1074Asp; replaces glutamic acid 1074 with aspartic acid.
Molecular consequence: missense variant.
Genome position (GRCh38, 1-based): chr2:215,404,420, C>G on the plus strand (G>C on the coding strand, the complement: FN1 is on the minus strand). VCF-style: chr2-215404420-C-G. GRCh37 (hg19) VCF-style: chr2-216269143-C-G.
Other names: c.3222G>C, p.Glu1074Asp (NM_001306131.2, NM_001306132.2, NM_001365517.2 and 13 more transcripts); short protein forms E1074D.
Identifiers: ClinVar variation 4700039 (VCV004700039.1).

ClinVar aggregate classification (germline): Uncertain significance (1 of 4 stars; one submission).

Submission:

Labcorp Genetics (formerly Invitae), Labcorp
Classification: Uncertain significance. Last evaluated: 2025-08-10. Review status: criteria provided, single submitter. Criteria: Invitae Variant Classification Sherloc (09022015). Collection method: clinical testing. Allele origin: germline.
Comment: This sequence change replaces glutamic acid, which is acidic and polar, with aspartic acid, which is acidic and polar, at codon 1074 of the FN1 protein (p.Glu1074Asp). This variant is present in population databases (rs749373020, gnomAD 0.006%). This variant has not been reported in the literature in individuals affected with FN1-related conditions. An algorithm developed to predict the effect of missense changes on protein structure and function (PolyPhen-2) suggests that this variant is likely to be tolerated. In summary, the available evidence is currently insufficient to determine the role of this variant in disease. Therefore, it has been classified as a Variant of Uncertain Significance.